The following is an entry in ClinVar:

NM_005515.4(MNX1):c.691+620_691+621del

Gene: MNX1 (motor neuron and pancreas homeobox 1; minus strand). Cytogenetic location: 7q36.3.
Variant type: Microsatellite.
Coding change: c.691+620_691+621del on transcript NM_005515.4 (MANE Select); bases 620 to 621 of the intron after coding-DNA position 691, 2 bases deleted (TC; older notation c.691+620_691+621delTC).
Molecular consequence: intron variant. On other transcripts: frameshift variant (1).
Genome position (GRCh38, 1-based): chr7:157,009,039-157,009,040, GA deleted on the plus strand (TC on the coding strand, the reverse complement: MNX1 is on the minus strand); deleting any 2 consecutive bases within chr7:157,009,039-157,009,043 gives the same sequence; the c. name uses the placement nearest the transcript's 3' end. VCF-style (leftmost placement, unchanged base first): chr7-157009038-TGA-T. GRCh37 (hg19) VCF-style: chr7-156801732-TGA-T.
Other names: c.13_14del, p.Ser5fs (NM_001165255.2); short protein forms S5fs.
Identifiers: ClinVar variation 1686665 (VCV001686665.2), dbSNP rs2134844264, ClinGen allele CA2579076177.

ClinVar aggregate classification (germline): Uncertain significance (1 of 4 stars; one submission).

Submission:

GeneDx
Classification: Uncertain significance. Last evaluated: 2022-05-16. Review status: criteria provided, single submitter. Criteria: GeneDx Variant Classification Process June 2021. Collection method: clinical testing. Allele origin: germline. Affected: yes.
Comment: Not observed at significant frequency in large population cohorts (gnomAD); Frameshift variant predicted to result in protein truncation as the last 185 amino acids are replaced with 137 different amino acids, although loss-of-function variants have not been reported downstream of this position in the protein; Has not been previously published as pathogenic or benign to our knowledge